The following is an entry in ClinVar:

NM_015092.5(SMG1):c.9811T>C (p.Leu3271=)

Gene: SMG1 (SMG1 nonsense mediated mRNA decay associated PI3K related kinase; minus strand). Cytogenetic location: 16p12.3.
Variant type: single nucleotide variant.
Coding change: c.9811T>C on transcript NM_015092.5 (MANE Select); coding-DNA position 9811, T replaced by C.
Protein change: p.Leu3271=; no amino-acid change (leucine 3271 retained).
Molecular consequence: synonymous variant.
Genome position (GRCh38, 1-based): chr16:18,819,585, A>G on the plus strand (T>C on the coding strand, the complement: SMG1 is on the minus strand). VCF-style: chr16-18819585-A-G. GRCh37 (hg19) VCF-style: chr16-18830907-A-G.
Other names: c.7921T>C, p.Leu2641= (NM_014006.2).
Identifiers: ClinVar variation 2646269 (VCV002646269.24), dbSNP rs764873531, ClinGen allele CA7929907.

ClinVar aggregate classification (germline): Likely benign (1 of 4 stars; one submission).

Allele frequency attached by ClinVar (database versions not stated): gnomAD exomes 0.00001; gnomAD 0.00002; TOPMed 0.00004.
gnomAD v4.1: 16 of 1,598,874 alleles (0.001%); highest among the groups gnomAD compares: Admixed American, 0.0087%; no homozygotes.

Submission:

CeGaT Center for Human Genetics Tuebingen
Classification: Likely benign. Last evaluated: 2023-01-01. Review status: criteria provided, single submitter. Criteria: CeGaT Center For Human Genetics Tuebingen Variant Classification Criteria Version 2. Collection method: clinical testing. Allele origin: germline. Affected: yes. Observed: 1 variant allele.
Comment: SMG1: BP4, BP7